The following is an entry in ClinVar:

NM_012203.2(GRHPR):c.-4G>A

Gene: GRHPR (glyoxylate and hydroxypyruvate reductase; plus strand). Cytogenetic location: 9p13.2.
Variant type: single nucleotide variant.
Coding change: c.-4G>A on transcript NM_012203.2 (MANE Select); 4 bases upstream of the start codon, G replaced by A.
Molecular consequence: 5 prime UTR variant.
Genome position (GRCh38, 1-based): chr9:37,422,747, G>A. VCF-style: chr9-37422747-G-A. GRCh37 (hg19) VCF-style: chr9-37422744-G-A.
Identifiers: ClinVar variation 3049983 (VCV003049983.2), dbSNP rs201826196, ClinGen allele CA5058883.

ClinVar aggregate classification (germline): Likely benign (0 of 4 stars; one submission).

Conditions:
GRHPR-related disorder. Also called: GRHPR-related condition.

Allele frequency attached by ClinVar (database versions not stated): gnomAD 0.00001; ExAC 0.00003; TOPMed 0.00006; gnomAD exomes 0.00011; 1000 Genomes Project 30x 0.00016; 1000 Genomes Project 0.00020.

Submission:

PreventionGenetics, part of Exact Sciences
Classification: Likely benign for GRHPR-related condition. Last evaluated: 2019-07-16. Review status: no assertion criteria provided. Collection method: clinical testing. Allele origin: germline.
Comment: This variant is classified as likely benign based on ACMG/AMP sequence variant interpretation guidelines (Richards et al. 2015 PMID: 25741868, with internal and published modifications).